The following is an entry in ClinVar:

ClinVar aggregate classification (germline): Benign/Likely benign. Review status: criteria provided, multiple submitters, no conflicts (2 of 4 stars). 5 submissions from 5 submitters: Benign (1); Likely benign (2). 2 of the submissions do not count toward it. Last evaluated 2026-03-01.

Conditions:
NFE2L2-related disorder. Also called: NFE2L2-related condition.

Allele frequency attached by ClinVar (database versions not stated): 1000 Genomes Project 30x 0.00062; 1000 Genomes Project 0.00080; ExAC 0.00240; gnomAD exomes 0.00241; gnomAD 0.00255 and 0.00263; TOPMed 0.00260; ESP Exome Variant Server 0.00330.
gnomAD v4.1: 6,666 of 1,614,212 alleles (0.41%); highest among the groups gnomAD compares: Non-Finnish European, 0.51%; 33 homozygotes.

Submissions (5):

CeGaT Center for Human Genetics Tuebingen
Classification: Likely benign. Last evaluated: 2026-03-01. Review status: criteria provided, single submitter. Criteria: CeGaT Center For Human Genetics Tuebingen Variant Classification Criteria Version 2. Collection method: clinical testing. Allele origin: germline. Affected: yes. Observed: 1 variant allele.
Comment: NFE2L2: BP4, BS2

Labcorp Genetics (formerly Invitae), Labcorp
Classification: Benign. Last evaluated: 2026-02-01. Review status: criteria provided, single submitter. Criteria: Invitae Variant Classification Sherloc (09022015). Collection method: clinical testing. Allele origin: germline.

Blueprint Genetics
Classification: Likely benign. Last evaluated: 2024-11-26. Review status: criteria provided, single submitter. Criteria: ACMG Guidelines, 2015. Collection method: clinical testing. Allele origin: germline.

PreventionGenetics, part of Exact Sciences
Classification: Benign for NFE2L2-related condition. Last evaluated: 2019-11-05. Review status: no assertion criteria provided. Collection method: clinical testing. Allele origin: germline. Not counted in ClinVar's aggregate classification.
Comment: This variant is classified as benign based on ACMG/AMP sequence variant interpretation guidelines (Richards et al. 2015 PMID: 25741868, with internal and published modifications).

ITMI
No classification provided. Condition: AllHighlyPenetrant. Last evaluated: 2013-09-19. Review status: no classification provided. Collection method: reference population. Allele origin: germline. Not counted in ClinVar's aggregate classification.
Comment: Please see associated publication for description of ethnicities

Literature cited by the submitters: PubMed 24728327 (cited by ITMI).

NM_006164.5(NFE2L2):c.802G>A (p.Val268Met)

Gene: NFE2L2 (NFE2 like bZIP transcription factor 2; minus strand). Cytogenetic location: 2q31.2.
Variant type: single nucleotide variant.
Coding change: c.802G>A on transcript NM_006164.5 (MANE Select); coding-DNA position 802, G replaced by A.
Protein change: p.Val268Met; replaces valine 268 with methionine.
Molecular consequence: missense variant.
Genome position (GRCh38, 1-based): chr2:177,231,801, C>T on the plus strand (G>A on the coding strand, the complement: NFE2L2 is on the minus strand). VCF-style: chr2-177231801-C-T. GRCh37 (hg19) VCF-style: chr2-178096529-C-T.
Other names: c.754G>A, p.Val252Met (NM_001145412.3, NM_001313900.1, NM_001313901.1); c.733G>A, p.Val245Met (NM_001145413.3); c.712G>A, p.Val238Met (NM_001313902.2); c.583G>A, p.Val195Met (NM_001313903.2); c.502G>A, p.Val168Met (NM_001313904.1); c.802G>A (NM_006164.4); short protein forms V252M, V245M, V268M, V168M, V195M, V238M.
Identifiers: ClinVar variation 134906 (VCV000134906.35), dbSNP rs34154613, ClinGen allele CA161137.